The following is an entry in ClinVar:

ClinVar aggregate classification (germline): Uncertain significance (1 of 4 stars; one submission).

gnomAD v4.1: 1 of 1,608,072 alleles (0.000062%); highest among the groups gnomAD compares: Admixed American, 0.0017%; no homozygotes.

Submission:

Labcorp Genetics (formerly Invitae), Labcorp
Classification: Uncertain significance. Last evaluated: 2025-04-17. Review status: criteria provided, single submitter. Criteria: Invitae Variant Classification Sherloc (09022015). Collection method: clinical testing. Allele origin: germline.
Comment: This sequence change replaces lysine, which is basic and polar, with methionine, which is neutral and non-polar, at codon 107 of the GNA11 protein (p.Lys107Met). This variant is not present in population databases (gnomAD no frequency). This variant has not been reported in the literature in individuals affected with GNA11-related conditions. An algorithm developed to predict the effect of missense changes on protein structure and function (PolyPhen-2) suggests that this variant is likely to be disruptive. In summary, the available evidence is currently insufficient to determine the role of this variant in disease. Therefore, it has been classified as a Variant of Uncertain Significance.

NM_002067.5(GNA11):c.320A>T (p.Lys107Met)

Gene: GNA11 (G protein subunit alpha 11; plus strand). Cytogenetic location: 19p13.3.
Variant type: single nucleotide variant.
Coding change: c.320A>T on transcript NM_002067.5 (MANE Select); coding-DNA position 320, A replaced by T.
Protein change: p.Lys107Met; replaces lysine 107 with methionine.
Molecular consequence: missense variant.
Genome position (GRCh38, 1-based): chr19:3,110,332, A>T. VCF-style: chr19-3110332-A-T. GRCh37 (hg19) VCF-style: chr19-3110330-A-T.
Other names: short protein forms K107M.
Identifiers: ClinVar variation 4769594 (VCV004769594.1).